The following is an entry in ClinVar:

NM_001370298.3(FGD4):c.*1068A>G

Gene: FGD4 (FYVE, RhoGEF and PH domain containing 4; plus strand). Cytogenetic location: 12p11.21.
Variant type: single nucleotide variant.
Coding change: c.*1068A>G on transcript NM_001370298.3 (MANE Select); 1068 bases downstream of the stop codon, A replaced by G.
Molecular consequence: 3 prime UTR variant. On other transcripts: intron variant (3).
Genome position (GRCh38, 1-based): chr12:32,641,601, A>G. VCF-style: chr12-32641601-A-G. GRCh37 (hg19) VCF-style: chr12-32794535-A-G.
Other names: c.*1068A>G (NM_001304481.2, NM_001304484.2, NM_001330373.2 and 5 more transcripts); c.2632+1148A>G (NM_001384126.1); c.2221+1148A>G (NM_001384127.1, NM_001384128.1).
Identifiers: ClinVar variation 308311 (VCV000308311.5), dbSNP rs537833755, ClinGen allele CA10637227.

ClinVar aggregate classification (germline): Benign (1 of 4 stars; one submission).

Conditions:
Charcot-Marie-Tooth disease type 4H (CMT4H). Also called: CHARCOT-MARIE-TOOTH DISEASE, AUTOSOMAL RECESSIVE, TYPE 4H; CHARCOT-MARIE-TOOTH DISEASE, DEMYELINATING, AUTOSOMAL RECESSIVE, TYPE 4H; CHARCOT-MARIE-TOOTH NEUROPATHY, TYPE 4H; CHARCOT-MARIE-TOOTH DISEASE, DEMYELINATING, TYPE 4H. Identifiers: Orphanet 99954, MedGen C1836336, MONDO:0012250, OMIM 609311.

Allele frequency attached by ClinVar (database versions not stated): gnomAD 0.00002 and 0.00075; TOPMed 0.00011; 1000 Genomes Project 0.00639; 1000 Genomes Project 30x 0.00656.

Submission:

Illumina Laboratory Services, Illumina
Classification: Benign for Charcot-Marie-Tooth disease type 4H. Last evaluated: 2018-01-13. Review status: criteria provided, single submitter. Criteria: ICSL Variant Classification Criteria 13 December 2019. Collection method: clinical testing. Allele origin: germline.
Comment: This variant was observed in the ICSL laboratory as part of a predisposition screen in an ostensibly healthy population. It had not been previously curated by ICSL or reported in the Human Gene Mutation Database (HGMD: prior to June 1st, 2018), and was therefore a candidate for classification through an automated scoring system. Utilizing variant allele frequency, disease prevalence and penetrance estimates, and inheritance mode, an automated score was calculated to assess if this variant is too frequent to cause the disease. Based on the score and internal cut-off values, a variant classified as benign is not then subjected to further curation. The score for this variant resulted in a classification of benign for this disease.